The following is an entry in ClinVar:

NM_020529.3(NFKBIA):c.194C>T (p.Pro65Leu)

Gene: NFKBIA (NFKB inhibitor alpha; minus strand). Cytogenetic location: 14q13.2.
Variant type: single nucleotide variant.
Coding change: c.194C>T on transcript NM_020529.3 (MANE Select); coding-DNA position 194, C replaced by T.
Protein change: p.Pro65Leu; replaces proline 65 with leucine.
Molecular consequence: missense variant.
Genome position (GRCh38, 1-based): chr14:35,404,451, G>A on the plus strand (C>T on the coding strand, the complement: NFKBIA is on the minus strand). VCF-style: chr14-35404451-G-A. GRCh37 (hg19) VCF-style: chr14-35873657-G-A.
Other names: short protein forms P65L.
Identifiers: ClinVar variation 1046950 (VCV001046950.7), dbSNP rs756648390, ClinGen allele CA7155577.
Genomic context (GRCh38, chr14:35,404,451, plus strand): 5'-CCCCAGCCCCGGGCCTCCGCCACTTACGAGTCCCCGTCCTCGGTGAGCTGCTGCTTCCAG[G>A]GCTCCGAGCCGCGCGGCACCTCCTGCGGCTCGAGGCGGATCTCCTGCAGCTCCTTGACCA-3'
Protein context (NP_065390.1, residues 55-75): EPQEVPRGSE[Pro65Leu]WKQQLTEDGD

ClinVar aggregate classification (germline): Uncertain significance (1 of 4 stars; one submission).

Conditions:
Ectodermal dysplasia and immunodeficiency 2. Identifiers: Orphanet 238468, Orphanet 98813, MedGen C2677481, MONDO:0012806, OMIM 612132.

Allele frequency attached by ClinVar (database versions not stated): ExAC 0.00001; gnomAD 0.00001; gnomAD exomes 0.00001; TOPMed 0.00001.

Submission:

Labcorp Genetics (formerly Invitae), Labcorp
Classification: Uncertain significance for Ectodermal dysplasia and immunodeficiency 2. Last evaluated: 2024-07-05. Review status: criteria provided, single submitter. Criteria: Invitae Variant Classification Sherloc (09022015). Collection method: clinical testing. Allele origin: germline.
Comment: This sequence change replaces proline, which is neutral and non-polar, with leucine, which is neutral and non-polar, at codon 65 of the NFKBIA protein (p.Pro65Leu). This variant is present in population databases (rs756648390, gnomAD 0.002%). This variant has not been reported in the literature in individuals affected with NFKBIA-related conditions. ClinVar contains an entry for this variant (Variation ID: 1046950). An algorithm developed to predict the effect of missense changes on protein structure and function (PolyPhen-2) suggests that this variant is likely to be tolerated. In summary, the available evidence is currently insufficient to determine the role of this variant in disease. Therefore, it has been classified as a Variant of Uncertain Significance.